The following is an entry in ClinVar:

NM_001184.4(ATR):c.3994A>G (p.Ile1332Val)

Gene: ATR (ATR checkpoint kinase; minus strand). Cytogenetic location: 3q23.
Variant type: single nucleotide variant.
Coding change: c.3994A>G on transcript NM_001184.4 (MANE Select); coding-DNA position 3994, A replaced by G.
Protein change: p.Ile1332Val; replaces isoleucine 1332 with valine.
Molecular consequence: missense variant.
Genome position (GRCh38, 1-based): chr3:142,524,151, T>C on the plus strand (A>G on the coding strand, the complement: ATR is on the minus strand). VCF-style: chr3-142524151-T-C. GRCh37 (hg19) VCF-style: chr3-142242993-T-C.
Other names: c.3802A>G, p.Ile1268Val (NM_001354579.2); short protein forms I1332V, I1268V.
Identifiers: ClinVar variation 4706019 (VCV004706019.1).
Genomic context (GRCh38, chr3:142,524,151, plus strand): 5'-ACCGAGCTTGAGAGTTTGCATCTTGGCAACCTTTCAAAAGCACTGTCACCAACTGTGAGA[T>C]AATAGGTTCTACTGTTTCACTGTCTGTTGCATACTTTATCAGTTTTTCCTAAAATAAAAG-3'
Protein context (NP_001175.2, residues 1322-1342): ATDSETVEPI[Ile1332Val]SQLVTVLLKG

ClinVar aggregate classification (germline): Uncertain significance (1 of 4 stars; one submission).

Submission:

Labcorp Genetics (formerly Invitae), Labcorp
Classification: Uncertain significance. Last evaluated: 2025-12-17. Review status: criteria provided, single submitter. Criteria: Invitae Variant Classification Sherloc (09022015). Collection method: clinical testing. Allele origin: germline.
Comment: This sequence change replaces isoleucine, which is neutral and non-polar, with valine, which is neutral and non-polar, at codon 1332 of the ATR protein (p.Ile1332Val). This variant is not present in population databases (gnomAD no frequency). This variant has not been reported in the literature in individuals affected with ATR-related conditions. An algorithm developed to predict the effect of missense changes on protein structure and function (PolyPhen-2) suggests that this variant is likely to be disruptive. In summary, the available evidence is currently insufficient to determine the role of this variant in disease. Therefore, it has been classified as a Variant of Uncertain Significance.